The following is an entry in ClinVar:

NM_006767.4(LZTR1):c.18_30del (p.Ser6fs)

Genes: LZTR1 (leucine zipper like post translational regulator 1; plus strand), LOC130067016 (ATAC-STARR-seq lymphoblastoid silent region 13504; plus strand). Cytogenetic location: 22q11.21.
Variant type: Deletion.
Coding change: c.18_30del on transcript NM_006767.4 (MANE Select); coding-DNA positions 18 to 30, 13 bases deleted (CACGGGGGGGCAG).
Protein change: p.Ser6fs; shifts the reading frame from serine 6.
Molecular consequence: frameshift variant.
Genome position (GRCh38, 1-based): chr22:20,982,389-20,982,401, CACGGGGGGGCAG deleted; deleting any 13 consecutive bases within chr22:20,982,383-20,982,401 gives the same sequence; the c. name uses the placement nearest the transcript's 3' end. VCF-style (leftmost placement, unchanged base first): chr22-20982382-CGGGCAGCACGGGG-C. GRCh37 (hg19) VCF-style: chr22-21336671-CGGGCAGCACGGGG-C.
Other names: c.18_30del13 (NM_006767.3); short protein forms S6fs.
Identifiers: ClinVar variation 2676395 (VCV002676395.2), dbSNP rs2518607554, ClinGen allele CA2695200068.

ClinVar aggregate classification (germline): Pathogenic/Likely pathogenic. Review status: criteria provided, multiple submitters, no conflicts (2 of 4 stars). 2 submissions from 2 submitters: Pathogenic (1); Likely pathogenic (1). Last evaluated 2025-10-07.

Conditions:
Cardiovascular phenotype. Identifiers: MedGen CN230736.
Hereditary cancer-predisposing syndrome. Also called: Neoplastic Syndromes, Hereditary; Tumor predisposition; Hereditary Cancer Syndrome; Hereditary neoplastic syndrome. Identifiers: Orphanet 140162, MedGen C0027672, MeSH D009386, MONDO:0015356.
LZTR1-related schwannomatosis. Also called: Schwannomatosis 2; Schwannomatosis-2, susceptibility to. Identifiers: Orphanet 93921, MedGen C3810283, MONDO:0014299, OMIM 615670.

Submissions (2):

Ambry Genetics
Classification: Pathogenic for Cardiovascular phenotype; Hereditary cancer-predisposing syndrome. Last evaluated: 2025-10-07. Review status: criteria provided, single submitter. Criteria: Ambry Variant Classification Scheme 2023. Collection method: clinical testing. Allele origin: germline.
Comment: The c.18_30del13 pathogenic mutation, located in coding exon 1 of the LZTR1 gene, results from a deletion of 13 nucleotides at nucleotide positions 18 to 30, causing a translational frameshift with a predicted alternate stop codon (p.S6Rfs*15). This alteration is expected to result in loss of function by premature protein truncation or nonsense-mediated mRNA decay. Loss-of-function variants in LZTR1 are related to an increased risk for schwannomas and autosomal recessive Noonan syndrome; however, such associations with autosomal dominant Noonan syndrome have not been observed (Piotrowski A et al. Nat Genet. 2014 Feb;46:182-7; Yamamoto GL et al. J Med Genet. 2015 Jun;52:413-21; Johnston JJ et al. Genet Med. 2018 10;20:1175-1185). Based on the supporting evidence, this variant is pathogenic for an increased risk of LZTR1-related schwannomatosis (SWN) and would be expected to cause autosomal recessive Noonan syndrome when present along with a second pathogenic or likely pathogenic variant on the other allele; however, the association of this alteration with autosomal dominant Noonan syndrome is unlikely.

Baylor Genetics
Classification: Likely pathogenic for LZTR1-related schwannomatosis. Last evaluated: 2023-08-21. Review status: criteria provided, single submitter. Criteria: ACMG Guidelines, 2015. Collection method: clinical testing. Allele origin: unknown.